The following is an entry in ClinVar:

NM_138615.3(DHX30):c.797T>C (p.Met266Thr)

Gene: DHX30 (DExH-box helicase 30; plus strand). Cytogenetic location: 3p21.31.
Variant type: single nucleotide variant.
Coding change: c.797T>C on transcript NM_138615.3 (MANE Select); coding-DNA position 797, T replaced by C.
Protein change: p.Met266Thr; replaces methionine 266 with threonine.
Molecular consequence: missense variant.
Genome position (GRCh38, 1-based): chr3:47,843,113, T>C. VCF-style: chr3-47843113-T-C. GRCh37 (hg19) VCF-style: chr3-47884603-T-C.
Other names: c.713T>C, p.Met238Thr (NM_001330990.2); c.680T>C, p.Met227Thr (NM_014966.4); short protein forms M227T, M238T, M266T.
Identifiers: ClinVar variation 3359539 (VCV003359539.1).

ClinVar aggregate classification (germline): Uncertain significance (1 of 4 stars; one submission).

Submission:

GeneDx
Classification: Uncertain significance. Last evaluated: 2023-06-07. Review status: criteria provided, single submitter. Criteria: GeneDx Variant Classification Process June 2021. Collection method: clinical testing. Allele origin: germline. Affected: yes.
Comment: Not observed at significant frequency in large population cohorts (gnomAD); In silico analysis supports that this missense variant does not alter protein structure/function; Has not been previously published as pathogenic or benign to our knowledge